The following is an entry in ClinVar:

NM_001692.4(ATP6V1B1):c.882G>A (p.Met294Ile)

Gene: ATP6V1B1 (ATPase H+ transporting V1 subunit B1; plus strand). Cytogenetic location: 2p13.3.
Variant type: single nucleotide variant.
Coding change: c.882G>A on transcript NM_001692.4 (MANE Select); coding-DNA position 882, G replaced by A.
Protein change: p.Met294Ile; replaces methionine 294 with isoleucine.
Molecular consequence: missense variant.
Genome position (GRCh38, 1-based): chr2:70,962,873, G>A. VCF-style: chr2-70962873-G-A. GRCh37 (hg19) VCF-style: chr2-71190003-G-A.
Other names: c.882G>A (NM_001692.3); short protein forms M294I.
Identifiers: ClinVar variation 2160297 (VCV002160297.2), dbSNP rs936620695, ClinGen allele CA49702692.

ClinVar aggregate classification (germline): Uncertain significance. Review status: criteria provided, multiple submitters, no conflicts (2 of 4 stars). 2 submissions from 2 submitters: Uncertain significance (2). Last evaluated 2024-02-02.

Conditions:
Inborn genetic diseases. Identifiers: MedGen C0950123, MeSH D030342.

Allele frequency attached by ClinVar (database versions not stated): gnomAD exomes below 0.00001; gnomAD 0.00005; TOPMed 0.00010.
gnomAD v4.1: 20 of 1,614,016 alleles (0.0012%); highest among the groups gnomAD compares: Admixed American, 0.018%; no homozygotes.

Submissions (2):

Ambry Genetics
Classification: Uncertain significance for Inborn genetic diseases. Last evaluated: 2024-02-02. Review status: criteria provided, single submitter. Criteria: Ambry Variant Classification Scheme 2023. Collection method: clinical testing. Allele origin: germline.

Labcorp Genetics (formerly Invitae), Labcorp
Classification: Uncertain significance. Last evaluated: 2021-09-17. Review status: criteria provided, single submitter. Criteria: Invitae Variant Classification Sherloc (09022015). Collection method: clinical testing. Allele origin: germline.
Comment: This sequence change replaces methionine with isoleucine at codon 294 of the ATP6V1B1 protein (p.Met294Ile). The methionine residue is highly conserved and there is a small physicochemical difference between methionine and isoleucine. This variant is not present in population databases (ExAC no frequency). This variant has not been reported in the literature in individuals with ATP6V1B1-related conditions. Algorithms developed to predict the effect of missense changes on protein structure and function are either unavailable or do not agree on the potential impact of this missense change (SIFT: "Deleterious"; PolyPhen-2: "Possibly Damaging"; Align-GVGD: "Class C0"). In summary, the available evidence is currently insufficient to determine the role of this variant in disease. Therefore, it has been classified as a Variant of Uncertain Significance.